The following is an entry in ClinVar:

ClinVar aggregate classification (germline): Conflicting classifications of pathogenicity. Review status: criteria provided, conflicting classifications (1 of 4 stars). 2 submissions from 2 submitters: Uncertain significance (1); Likely benign (1). Last evaluated 2026-05-08.

Conditions:
Inborn genetic diseases. Identifiers: MedGen C0950123, MeSH D030342.
Acute myeloid leukemia (AML). Also called: Acute myeloid leukemia, adult; AML adult; Acute non-lymphocytic leukemia; Acute granulocytic leukemia; Leukemia, acute myelogenous, somatic; Leukemia, acute myeloid, somatic. Identifiers: Orphanet 519, MedGen C0023467, MeSH D015470, MONDO:0018874, OMIM 601626, HP:0004808. Disease mechanism: Constitutively activated FLT3.

Submissions (2):

Ambry Genetics
Classification: Likely benign for Inborn genetic diseases. Last evaluated: 2026-05-08. Review status: criteria provided, single submitter. Criteria: Ambry Variant Classification Scheme 2023. Collection method: clinical testing. Allele origin: germline.

Labcorp Genetics (formerly Invitae), Labcorp
Classification: Uncertain significance for Acute myeloid leukemia. Last evaluated: 2024-11-06. Review status: criteria provided, single submitter. Criteria: Invitae Variant Classification Sherloc (09022015). Collection method: clinical testing. Allele origin: germline.
Comment: This sequence change replaces alanine, which is neutral and non-polar, with serine, which is neutral and polar, at codon 136 of the CEBPA protein (p.Ala136Ser). This variant is present in population databases (no rsID available, gnomAD 0.007%). This variant has not been reported in the literature in individuals affected with CEBPA-related conditions. ClinVar contains an entry for this variant (Variation ID: 1025165). Invitae Evidence Modeling of protein sequence and biophysical properties (such as structural, functional, and spatial information, amino acid conservation, physicochemical variation, residue mobility, and thermodynamic stability) indicates that this missense variant is not expected to disrupt CEBPA protein function with a negative predictive value of 80%. In summary, the available evidence is currently insufficient to determine the role of this variant in disease. Therefore, it has been classified as a Variant of Uncertain Significance.

NM_004364.5(CEBPA):c.406G>T (p.Ala136Ser)

Gene: CEBPA (CCAAT enhancer binding protein alpha; minus strand). Cytogenetic location: 19q13.11.
Variant type: single nucleotide variant.
Coding change: c.406G>T on transcript NM_004364.5 (MANE Select); coding-DNA position 406, G replaced by T.
Protein change: p.Ala136Ser; replaces alanine 136 with serine.
Molecular consequence: missense variant.
Genome position (GRCh38, 1-based): chr19:33,302,009, C>A on the plus strand (G>T on the coding strand, the complement: CEBPA is on the minus strand). VCF-style: chr19-33302009-C-A. GRCh37 (hg19) VCF-style: chr19-33792915-C-A.
Other names: c.49G>T, p.Ala17Ser (NM_001285829.2); c.511G>T, p.Ala171Ser (NM_001287424.2); c.364G>T, p.Ala122Ser (NM_001287435.2); c.406G>T (NM_004364.3); short protein forms A122S, A136S, A171S, A17S.
Identifiers: ClinVar variation 1025165 (VCV001025165.10), dbSNP rs1172993204, ClinGen allele CA405275020.